The following is an entry in ClinVar:

NM_004082.5(DCTN1):c.2264dup (p.Ser755fs)

Gene: DCTN1 (dynactin subunit 1; minus strand). Cytogenetic location: 2p13.1.
Variant type: Duplication.
Coding change: c.2264dup on transcript NM_004082.5 (MANE Select); coding-DNA position 2264, one base duplicated (G; older notation c.2264dupG).
Protein change: p.Ser755fs; shifts the reading frame from serine 755.
Molecular consequence: frameshift variant. On other transcripts: non-coding transcript variant (1).
Genome position (GRCh38, 1-based): chr2:74,367,097, C duplicated on the plus strand (G on the coding strand, the reverse complement: DCTN1 is on the minus strand). VCF-style (leftmost placement, unchanged base first): chr2-74367096-A-AC. GRCh37 (hg19) VCF-style: chr2-74594223-A-AC.
Other names: c.2204dup, p.Ser735fs (NM_001135040.3); c.1862dup, p.Ser621fs (NM_001135041.3, NM_023019.4); c.2153dup, p.Ser718fs (NM_001190836.2); c.2243dup, p.Ser748fs (NM_001190837.2); c.2213dup, p.Ser738fs (NM_001378991.1); c.2195dup, p.Ser732fs (NM_001378992.1); short protein forms S718fs, S621fs, S748fs, S732fs, S735fs, S738fs, S755fs.
Identifiers: ClinVar variation 2926574 (VCV002926574.3), dbSNP rs1674475931, ClinGen allele CA1261393675.

ClinVar aggregate classification (germline): Uncertain significance (1 of 4 stars; one submission).

Conditions:
Amyotrophic lateral sclerosis type 1 (ALS1). Also called: AMYOTROPHIC LATERAL SCLEROSIS 1, FAMILIAL. Identifiers: Orphanet 803, MedGen C1862939, MONDO:0007103, OMIM 105400.
Neuronopathy, distal hereditary motor, type 7B. Also called: NEURONOPATHY, DISTAL HEREDITARY MOTOR, AUTOSOMAL DOMINANT 14; NEURONOPATHY, DISTAL HEREDITARY MOTOR, HARDING TYPE VIIB; NEUROPATHY, DISTAL HEREDITARY MOTOR, HARDING TYPE VIIB; NEUROPATHY, DISTAL HEREDITARY MOTOR, WITH VOCAL CORD PARALYSIS, HARDING TYPE VIIB; Distal Hereditary Motor Neuronopathy Type 7B (dHMN7B); HMN VIIB. Identifiers: Orphanet 139589, MedGen C1843315, MONDO:0011879, OMIM 607641.
Perry syndrome. Also called: PARKINSONISM WITH ALVEOLAR HYPOVENTILATION AND MENTAL DEPRESSION. Identifiers: Orphanet 178509, MedGen C1868594, MONDO:0008201, OMIM 168605.

Allele frequency attached by ClinVar (database versions not stated): gnomAD exomes below 0.00001.

Submission:

Labcorp Genetics (formerly Invitae), Labcorp
Classification: Uncertain significance for Amyotrophic lateral sclerosis type 1; Neuronopathy, distal hereditary motor, type 7B; Perry syndrome. Last evaluated: 2023-09-18. Review status: criteria provided, single submitter. Criteria: Invitae Variant Classification Sherloc (09022015). Collection method: clinical testing. Allele origin: germline.
Comment: In summary, the available evidence is currently insufficient to determine the role of this variant in disease. Therefore, it has been classified as a Variant of Uncertain Significance. This variant has not been reported in the literature in individuals affected with DCTN1-related conditions. This variant is not present in population databases (gnomAD no frequency). This sequence change creates a premature translational stop signal (p.Ser755Argfs*39) in the DCTN1 gene. It is expected to result in an absent or disrupted protein product. However, the current clinical and genetic evidence is not sufficient to establish whether loss-of-function variants in DCTN1 cause disease.